The following is an entry in ClinVar:

ClinVar aggregate classification (germline): Uncertain significance (1 of 4 stars; one submission).

Conditions:
Hereditary spastic paraplegia 11. Also called: Nakamura Osame syndrome; Autosomal recessive hereditary spastic paraplegia, mental impairment, and thin corpus callosum; Spastic Paraplegia 11; Spastic paraplegia, mental retardation and thin corpus callosum; SPASTIC PARAPLEGIA, AUTOSOMAL RECESSIVE, COMPLICATED, WITH THIN CORPUS CALLOSUM; SPASTIC PARAPLEGIA, AUTOSOMAL RECESSIVE, WITH MENTAL IMPAIRMENT AND THIN CORPUS CALLOSUM. Identifiers: Orphanet 2822, MedGen C1858479, MONDO:0011445, OMIM 604360.

Submission:

Labcorp Genetics (formerly Invitae), Labcorp
Classification: Uncertain significance for Hereditary spastic paraplegia 11. Last evaluated: 2021-11-06. Review status: criteria provided, single submitter. Criteria: Invitae Variant Classification Sherloc (09022015). Collection method: clinical testing. Allele origin: germline.
Comment: This sequence change replaces leucine, which is neutral and non-polar, with isoleucine, which is neutral and non-polar, at codon 465 of the SPG11 protein (p.Leu465Ile). This variant is not present in population databases (gnomAD no frequency). This variant has not been reported in the literature in individuals affected with SPG11-related conditions. Algorithms developed to predict the effect of missense changes on protein structure and function output the following: SIFT: "Tolerated"; PolyPhen-2: "Probably Damaging"; Align-GVGD: "Class C0". The isoleucine amino acid residue is found in multiple mammalian species, which suggests that this missense change does not adversely affect protein function. In summary, the available evidence is currently insufficient to determine the role of this variant in disease. Therefore, it has been classified as a Variant of Uncertain Significance.

NM_025137.4(SPG11):c.1393C>A (p.Leu465Ile)

Gene: SPG11 (SPG11 vesicle trafficking associated, spatacsin; minus strand). Cytogenetic location: 15q21.1.
Variant type: single nucleotide variant.
Coding change: c.1393C>A on transcript NM_025137.4 (MANE Select); coding-DNA position 1393, C replaced by A.
Protein change: p.Leu465Ile; replaces leucine 465 with isoleucine.
Molecular consequence: missense variant.
Genome position (GRCh38, 1-based): chr15:44,651,554, G>T on the plus strand (C>A on the coding strand, the complement: SPG11 is on the minus strand). VCF-style: chr15-44651554-G-T. GRCh37 (hg19) VCF-style: chr15-44943752-G-T.
Other names: c.1393C>A, p.Leu465Ile (NM_001160227.2); short protein forms L465I.
Identifiers: ClinVar variation 1424829 (VCV001424829.6), dbSNP rs2084776558, ClinGen allele CA392235937.
Genomic context (GRCh38, chr15:44,651,554, plus strand): 5'-TCAAAACAAAGCACAGCTGCTGGTCTCCACTACTGTCTACAGGAATACACTTTGTGCCAA[G>T]GGAAAAACACTGCATGCCCTGGGTCTCCAAATCCCAGAGGGTAATGGTATAGCCCATCCT-3'
Protein context (NP_079413.3, residues 455-475): LETQGMQCFS[Leu465Ile]GTKCIPVDSS